The following is an entry in ClinVar:

NM_001347721.2(DYRK1A):c.1241T>C (p.Leu414Pro)

Gene: DYRK1A (dual specificity tyrosine phosphorylation regulated kinase 1A; plus strand). Cytogenetic location: 21q22.13.
Variant type: single nucleotide variant.
Coding change: c.1241T>C on transcript NM_001347721.2 (MANE Select); coding-DNA position 1241, T replaced by C.
Protein change: p.Leu414Pro; replaces leucine 414 with proline.
Molecular consequence: missense variant.
Genome position (GRCh38, 1-based): chr21:37,505,311, T>C. VCF-style: chr21-37505311-T-C. GRCh37 (hg19) VCF-style: chr21-38877614-T-C.
Other names: c.1241T>C, p.Leu414Pro (NM_130436.2, NM_001347722.2); c.1268T>C, p.Leu423Pro (NM_130438.2, NM_001396.5, NM_101395.2); c.1154T>C, p.Leu385Pro (NM_001347723.2); short protein forms L423P, L414P, L385P.
Identifiers: ClinVar variation 4740562 (VCV004740562.1).

ClinVar aggregate classification (germline): Uncertain significance (1 of 4 stars; one submission).

Conditions:
DYRK1A-related intellectual disability syndrome (MRD7). Also called: DYRK1A Syndrome; Intellectual developmental disorder, autosomal dominant 7. Identifiers: Orphanet 464306, MedGen C5568143, MONDO:0013578, OMIM 614104.

gnomAD v4.1: 47 of 1,613,808 alleles (0.0029%); highest among the groups gnomAD compares: South Asian, 0.052%; no homozygotes.

Submission:

Labcorp Genetics (formerly Invitae), Labcorp
Classification: Uncertain significance for DYRK1A-related intellectual disability syndrome. Last evaluated: 2025-12-26. Review status: criteria provided, single submitter. Criteria: Invitae Variant Classification Sherloc (09022015). Collection method: clinical testing. Allele origin: germline.
Comment: This sequence change replaces leucine, which is neutral and non-polar, with proline, which is neutral and non-polar, at codon 423 of the DYRK1A protein (p.Leu423Pro). This variant is present in population databases (rs575017348, gnomAD 0.06%), and has an allele count higher than expected for a pathogenic variant. This variant has not been reported in the literature in individuals affected with DYRK1A-related conditions. Invitae Evidence Modeling of protein sequence and biophysical properties (such as structural, functional, and spatial information, amino acid conservation, physicochemical variation, residue mobility, and thermodynamic stability) has been performed for this missense variant. However, the output from this modeling did not meet the statistical confidence thresholds required to predict the impact of this variant on DYRK1A protein function. In summary, the available evidence is currently insufficient to determine the role of this variant in disease. Therefore, it has been classified as a Variant of Uncertain Significance.